The following is an entry in ClinVar:

ClinVar aggregate classification (germline): Likely benign. Review status: criteria provided, multiple submitters, no conflicts (2 of 4 stars). 2 submissions from 2 submitters: Likely benign (2). Last evaluated 2026-05-01.

Allele frequency attached by ClinVar (database versions not stated): TOPMed below 0.00001; gnomAD exomes 0.00001.
gnomAD v4.1: 9 of 1,613,938 alleles (0.00056%); highest among the groups gnomAD compares: East Asian, 0.011%; no homozygotes.

Submissions (2):

CeGaT Center for Human Genetics Tuebingen
Classification: Likely benign. Last evaluated: 2026-05-01. Review status: criteria provided, single submitter. Criteria: CeGaT Center For Human Genetics Tuebingen Variant Classification Criteria Version 2. Collection method: clinical testing. Allele origin: germline. Affected: yes. Observed: 1 variant allele.
Comment: CEP250: BP4, BP7

Labcorp Genetics (formerly Invitae), Labcorp
Classification: Likely benign. Last evaluated: 2023-07-17. Review status: criteria provided, single submitter. Criteria: Invitae Variant Classification Sherloc (09022015). Collection method: clinical testing. Allele origin: germline.

NM_007186.6(CEP250):c.1692G>A (p.Thr564=)

Genes: CEP250 (centrosomal protein 250; plus strand), CEP250-AS1 (CEP250 antisense RNA 1; minus strand). Cytogenetic location: 20q11.22.
Variant type: single nucleotide variant.
Coding change: c.1692G>A on transcript NM_007186.6 (MANE Select); coding-DNA position 1692, G replaced by A.
Protein change: p.Thr564=; no amino-acid change (threonine 564 retained).
Molecular consequence: synonymous variant. On other transcripts: non-coding transcript variant (7), 5 prime UTR variant (1).
Genome position (GRCh38, 1-based): chr20:35,475,622, G>A. VCF-style: chr20-35475622-G-A. GRCh37 (hg19) VCF-style: chr20-34063447-G-A.
Other names: c.-208G>A (NM_001318219.1).
Identifiers: ClinVar variation 1909761 (VCV001909761.7), dbSNP rs1447021910, ClinGen allele CA510317627.
Genomic context (GRCh38, chr20:35,475,622, plus strand): 5'-TCTTCGGGAAGCCCTGGAGTCAAGTCACCTGGAAGGGGAGTTACTGAGGCAAGAGCAAAC[G>A]GAAGTGACCGCAGCGCTGGCTAGGGTGCGTGGCCTCCTCTCCTCACTTGCTGGGTGGGCG-3'
Protein context (NP_009117.2, residues 554-574): LEGELLRQEQ[Thr564=]EVTAALARAE